The following is an entry in ClinVar:

ClinVar aggregate classification (germline): Likely benign. Review status: criteria provided, multiple submitters, no conflicts (2 of 4 stars). 2 submissions from 2 submitters: Likely benign (2). Last evaluated 2024-02-17.

Conditions:
Osteogenesis imperfecta type 7 (OI7). Also called: OSTEOGENESIS IMPERFECTA, TYPE IIB; Osteogenesis imperfecta type 2B; OI type 2B; Osteogenesis imperfecta, perinatal lethal autosomal recessive; OI type IIB; OI type 7. Identifiers: MedGen C1853162, MONDO:0012536, OMIM 610682.

Submissions (2):

Labcorp Genetics (formerly Invitae), Labcorp
Classification: Likely benign for Osteogenesis imperfecta type 7. Last evaluated: 2024-02-17. Review status: criteria provided, single submitter. Criteria: Invitae Variant Classification Sherloc (09022015). Collection method: clinical testing. Allele origin: germline.

GeneDx
Classification: Likely benign. Last evaluated: 2018-03-16. Review status: criteria provided, single submitter. Criteria: GeneDx Variant Classification (06012015). Collection method: clinical testing. Allele origin: germline. Affected: yes.
Comment: This variant is considered likely benign or benign based on one or more of the following criteria: it is a conservative change, it occurs at a poorly conserved position in the protein, it is predicted to be benign by multiple in silico algorithms, and/or has population frequency not consistent with disease.

NM_006371.5(CRTAP):c.1128G>A (p.Lys376=)

Gene: CRTAP (cartilage associated protein; plus strand). Cytogenetic location: 3p22.3.
Variant type: single nucleotide variant.
Coding change: c.1128G>A on transcript NM_006371.5 (MANE Select); coding-DNA position 1128, G replaced by A.
Protein change: p.Lys376=; no amino-acid change (lysine 376 retained).
Molecular consequence: synonymous variant. On other transcripts: intron variant (1).
Genome position (GRCh38, 1-based): chr3:33,134,241, G>A. VCF-style: chr3-33134241-G-A. GRCh37 (hg19) VCF-style: chr3-33175733-G-A.
Other names: c.999G>A, p.Lys333= (NM_001393364.1); c.978G>A, p.Lys326= (NM_001393365.1); c.1068+1541G>A (NM_001393363.1).
Identifiers: ClinVar variation 680927 (VCV000680927.4), dbSNP rs1575519242, ClinGen allele CA432952692.